The following is an entry in ClinVar:

NM_006231.4(POLE):c.5287C>T (p.Gln1763Ter)

Gene: POLE (DNA polymerase epsilon, catalytic subunit; minus strand). Cytogenetic location: 12q24.33.
Variant type: single nucleotide variant.
Coding change: c.5287C>T on transcript NM_006231.4 (MANE Select); coding-DNA position 5287, C replaced by T.
Protein change: p.Gln1763Ter; replaces glutamine 1763 with a stop codon.
Molecular consequence: nonsense.
Genome position (GRCh38, 1-based): chr12:132,641,738, G>A on the plus strand (C>T on the coding strand, the complement: POLE is on the minus strand). VCF-style: chr12-132641738-G-A. GRCh37 (hg19) VCF-style: chr12-133218324-G-A.
Other names: short protein forms Q1763*.
Identifiers: ClinVar variation 2164370 (VCV002164370.5), dbSNP rs369742417, ClinGen allele CA6892574.

ClinVar aggregate classification (germline): Pathogenic/Likely pathogenic. Review status: criteria provided, multiple submitters, no conflicts (2 of 4 stars). 2 submissions from 2 submitters: Pathogenic (1); Likely pathogenic (1). Last evaluated 2024-05-03.

Conditions:
POLE-related disorder. Also called: POLE-related disorders; POLE-related condition.

Allele frequency attached by ClinVar (database versions not stated): gnomAD exomes below 0.00001; ExAC 0.00001; gnomAD 0.00001; TOPMed 0.00001; ESP Exome Variant Server 0.00008.
gnomAD v4.1: 3 of 1,612,512 alleles (0.00019%); highest among the groups gnomAD compares: Non-Finnish European, 0.00025%; no homozygotes.

Submissions (2):

Blueprint Genetics
Classification: Likely pathogenic for POLE-related disorders. Last evaluated: 2024-05-03. Review status: criteria provided, single submitter. Criteria: ACMG Guidelines, 2015. Collection method: clinical testing. Allele origin: germline. Affected: yes. Observed: 1 variant allele.

Labcorp Genetics (formerly Invitae), Labcorp
Classification: Pathogenic. Last evaluated: 2022-06-27. Review status: criteria provided, single submitter. Criteria: Invitae Variant Classification Sherloc (09022015). Collection method: clinical testing. Allele origin: germline.
Comment: This variant is present in population databases (rs369742417, gnomAD 0.002%). This variant has not been reported in the literature in individuals affected with POLE-related conditions. RNA analysis performed to evaluate the impact of this premature translational stop signal on mRNA splicing indicates it does not significantly alter splicing (Invitae). For these reasons, this variant has been classified as Pathogenic. This sequence change creates a premature translational stop signal (p.Gln1763*) in the POLE gene. It is expected to result in an absent or disrupted protein product. Loss-of-function variants in POLE are known to be pathogenic (PMID: 23230001, 25948378, 30503519).

Literature cited by the submitters: PubMed 23230001 (cited by Labcorp Genetics (formerly Invitae), Labcorp); PubMed 25948378 (cited by Labcorp Genetics (formerly Invitae), Labcorp); PubMed 30503519 (cited by Labcorp Genetics (formerly Invitae), Labcorp).